The following is an entry in ClinVar:

ClinVar aggregate classification (germline): Uncertain significance (1 of 4 stars; one submission).

Conditions:
Developmental and epileptic encephalopathy, 31A. Also called: Epileptic encephalopathy, early infantile, 31; Developmental and epileptic encephalopathy, 31. Identifiers: Orphanet 2382, MedGen C4225357, MONDO:0014598, OMIM 616346.

gnomAD v4.1: 3 of 1,613,886 alleles (0.00019%); highest among the groups gnomAD compares: South Asian, 0.0022%; no homozygotes.

Submission:

Neuberg Centre For Genomic Medicine, NCGM
Classification: Uncertain significance for Developmental and epileptic encephalopathy, 31A. Review status: criteria provided, single submitter. Criteria: ACMG Guidelines, 2015. Collection method: clinical testing. Allele origin: germline. Inheritance: Autosomal dominant inheritance. Affected: yes.
Comment: The observed missense c.1443C>Gp.Ile481Met variant in DNM1 gene has not been reported previously as a pathogenic variant nor as a benign variant, to our knowledge. The p.Ile481Met variant is absent in gnomAD Exomes database. This variant has not been submitted to the ClinVar database. Multiple lines of computational evidence Polyphen - Probably Damaging, SIFT - Damaging and MutationTaster - Disease causing predict damaging effect on protein structure and function for this variant. The amino acid Ile at position 481 is changed to a Met changing protein sequence and it might alter its composition and physico-chemical properties. For these reasons, this variant has been classified as Uncertain Significance VUS

NM_004408.4(DNM1):c.1443C>G (p.Ile481Met)

Gene: DNM1 (dynamin 1; plus strand). Cytogenetic location: 9q34.11.
Variant type: single nucleotide variant.
Coding change: c.1443C>G on transcript NM_004408.4 (MANE Select); coding-DNA position 1443, C replaced by G.
Protein change: p.Ile481Met; replaces isoleucine 481 with methionine.
Molecular consequence: missense variant.
Genome position (GRCh38, 1-based): chr9:128,239,465, C>G. VCF-style: chr9-128239465-C-G. GRCh37 (hg19) VCF-style: chr9-131001744-C-G.
Other names: c.1443C>G, p.Ile481Met (NM_001005336.3, NM_001288737.2, NM_001288738.2 and 2 more transcripts); short protein forms I481M.
Identifiers: ClinVar variation 3391377 (VCV003391377.1).